The following is an entry in ClinVar:

NM_213599.3(ANO5):c.1858G>A (p.Gly620Arg)

Gene: ANO5 (anoctamin 5; plus strand). Cytogenetic location: 11p14.3.
Variant type: single nucleotide variant.
Coding change: c.1858G>A on transcript NM_213599.3 (MANE Select); coding-DNA position 1858, G replaced by A.
Protein change: p.Gly620Arg; replaces glycine 620 with arginine.
Molecular consequence: missense variant.
Genome position (GRCh38, 1-based): chr11:22,263,003, G>A. VCF-style: chr11-22263003-G-A. GRCh37 (hg19) VCF-style: chr11-22284549-G-A.
Other names: c.1855G>A, p.Gly619Arg (NM_001142649.2); c.1816G>A, p.Gly606Arg (NM_001410963.1); c.1813G>A, p.Gly605Arg (NM_001410964.1); c.1780G>A, p.Gly594Arg (NM_001441294.1); c.1777G>A, p.Gly593Arg (NM_001441295.1); c.1765G>A, p.Gly589Arg (NM_001441296.1); c.1738G>A, p.Gly580Arg (NM_001441297.1); c.1702G>A, p.Gly568Arg (NM_001441298.1); and 4 more; short protein forms G580R, G593R, G606R, G458R, G475R, G568R, G474R, G594R.
Identifiers: ClinVar variation 4989336 (VCV004989336.1).
Genomic context (GRCh38, chr11:22,263,003, plus strand): 5'-TAGTGTGATCCTGGAGGCTGTCTTATAGAATTGACAACCCAATTGACCATTATAATGACC[G>A]GGAAACAGATTTTTGGAAACATTAAAGAAGCCATTTATCCGTATGTATGACTTACAAGCT-3'
Protein context (NP_998764.1, residues 610-630): LTTQLTIIMT[Gly620Arg]KQIFGNIKEA

ClinVar aggregate classification (germline): Uncertain significance (1 of 4 stars; one submission).

Conditions:
ANO5-related disorder. Also called: ANO5-related disorders; ANO5-related condition. Identifiers: MedGen CN239193.

Submission:

PreventionGenetics, part of Exact Sciences
Classification: Uncertain significance for ANO5-related condition. Last evaluated: 2026-06-23. Review status: criteria provided, single submitter. Criteria: ACMG Guidelines, 2015. Collection method: clinical testing. Allele origin: germline.
Comment: The ANO5 c.1858G>A variant is predicted to result in the amino acid substitution p.Gly620Arg. To our knowledge, this variant has not been reported in the literature or in a large population database (gnomAD), indicating this variant is rare. Although we suspect this variant could be pathogenic, at this time, the clinical significance of this variant is uncertain due to the absence of conclusive functional and genetic evidence.